The following is an entry in ClinVar:

NM_213599.3(ANO5):c.534T>G (p.Ser178Arg)

Gene: ANO5 (anoctamin 5; plus strand). Cytogenetic location: 11p14.3.
Variant type: single nucleotide variant.
Coding change: c.534T>G on transcript NM_213599.3 (MANE Select); coding-DNA position 534, T replaced by G.
Protein change: p.Ser178Arg; replaces serine 178 with arginine.
Molecular consequence: missense variant.
Genome position (GRCh38, 1-based): chr11:22,227,472, T>G. VCF-style: chr11-22227472-T-G. GRCh37 (hg19) VCF-style: chr11-22249018-T-G.
Other names: c.531T>G, p.Ser177Arg (NM_001142649.2); short protein forms S177R, S178R.
Identifiers: ClinVar variation 835509 (VCV000835509.12), dbSNP rs1852879821, ClinGen allele CA379919850.
Genomic context (GRCh38, chr11:22,227,472, plus strand): 5'-TCCCCGCCCTAAGCACACTCCTATAAGCTATGTGCTTGGACCTGTAAGACTCCCACTGAG[T>G]GTGAAGTATCCCCATCCTGAATATTTTACTGCACAATTCAGCAGACATCGGCAGGAGCTC-3'
Protein context (NP_998764.1, residues 168-188): YVLGPVRLPL[Ser178Arg]VKYPHPEYFT

ClinVar aggregate classification (germline): Uncertain significance. Review status: criteria provided, multiple submitters, no conflicts (2 of 4 stars). 2 submissions from 2 submitters: Uncertain significance (2). Last evaluated 2025-02-07.

Conditions:
Autosomal recessive limb-girdle muscular dystrophy type 2L (LGMDR12). Also called: Limb-girdle muscular dystrophy, type 2L; Limb-Girdle Muscular Dystrophy R12 Anoctamin-5-Related (LGMD-R12); MUSCULAR DYSTROPHY, LIMB-GIRDLE, AUTOSOMAL RECESSIVE 12. Identifiers: Orphanet 206549, MedGen C1969785, MONDO:0012652, OMIM 611307.
Gnathodiaphyseal dysplasia (GDD). Also called: OSTEOGENESIS IMPERFECTA WITH UNUSUAL SKELETAL LESIONS; GNATHODIAPHYSEAL SCLEROSIS. Identifiers: Orphanet 53697, MedGen C1833736, MONDO:0008151, OMIM 166260.

Submissions (2):

Labcorp Genetics (formerly Invitae), Labcorp
Classification: Uncertain significance for Autosomal recessive limb-girdle muscular dystrophy type 2L; Gnathodiaphyseal dysplasia. Last evaluated: 2025-02-07. Review status: criteria provided, single submitter. Criteria: Invitae Variant Classification Sherloc (09022015). Collection method: clinical testing. Allele origin: germline.
Comment: This sequence change replaces serine, which is neutral and polar, with arginine, which is basic and polar, at codon 178 of the ANO5 protein (p.Ser178Arg). This variant is not present in population databases (gnomAD no frequency). This variant has not been reported in the literature in individuals affected with ANO5-related conditions. ClinVar contains an entry for this variant (Variation ID: 835509). Invitae Evidence Modeling of protein sequence and biophysical properties (such as structural, functional, and spatial information, amino acid conservation, physicochemical variation, residue mobility, and thermodynamic stability) indicates that this missense variant is not expected to disrupt ANO5 protein function with a negative predictive value of 80%. In summary, the available evidence is currently insufficient to determine the role of this variant in disease. Therefore, it has been classified as a Variant of Uncertain Significance.

Revvity Omics, Revvity
Classification: Uncertain significance. Last evaluated: 2020-03-05. Review status: criteria provided, single submitter. Criteria: ACMG Guidelines, 2015. Collection method: clinical testing. Allele origin: germline.